The following is an entry in ClinVar:

ClinVar aggregate classification (germline): Uncertain significance (1 of 4 stars; one submission).

Conditions:
GM1 gangliosidosis. Identifiers: Orphanet 354, MedGen C0085131, MONDO:0018149.
Mucopolysaccharidosis, MPS-IV-B (MPS4B). Also called: MORQUIO SYNDROME B; Mucopolysaccharidosis Type IVB (Morquio B Disease); Mucopolysaccharidosis type 4B; Mucopolysaccharidosis type IVB (Morquio); MPS IVB; Mucopolysaccharidosis type IV B. Identifiers: Orphanet 309310, Orphanet 582, MedGen C0086652, MONDO:0009660, OMIM 253010.

Allele frequency attached by ClinVar (database versions not stated): gnomAD exomes below 0.00001; TOPMed below 0.00001; gnomAD 0.00001.
gnomAD v4.1: 5 of 1,614,024 alleles (0.00031%); highest among the groups gnomAD compares: Non-Finnish European, 0.00042%; no homozygotes.

Submission:

Labcorp Genetics (formerly Invitae), Labcorp
Classification: Uncertain significance for Mucopolysaccharidosis, MPS-IV-B; GM1 gangliosidosis. Last evaluated: 2022-07-18. Review status: criteria provided, single submitter. Criteria: Invitae Variant Classification Sherloc (09022015). Collection method: clinical testing. Allele origin: germline.
Comment: This sequence change replaces leucine, which is neutral and non-polar, with histidine, which is basic and polar, at codon 548 of the GLB1 protein (p.Leu548His). This variant is not present in population databases (gnomAD no frequency). This variant has not been reported in the literature in individuals affected with GLB1-related conditions. ClinVar contains an entry for this variant (Variation ID: 1437570). Advanced modeling of protein sequence and biophysical properties (such as structural, functional, and spatial information, amino acid conservation, physicochemical variation, residue mobility, and thermodynamic stability) performed at Invitae indicates that this missense variant is expected to disrupt GLB1 protein function. In summary, the available evidence is currently insufficient to determine the role of this variant in disease. Therefore, it has been classified as a Variant of Uncertain Significance.

NM_000404.4(GLB1):c.1643T>A (p.Leu548His)

Gene: GLB1 (galactosidase beta 1; minus strand). Cytogenetic location: 3p22.3.
Variant type: single nucleotide variant.
Coding change: c.1643T>A on transcript NM_000404.4 (MANE Select); coding-DNA position 1643, T replaced by A.
Protein change: p.Leu548His; replaces leucine 548 with histidine.
Molecular consequence: missense variant.
Genome position (GRCh38, 1-based): chr3:33,014,147, A>T on the plus strand (T>A on the coding strand, the complement: GLB1 is on the minus strand). VCF-style: chr3-33014147-A-T. GRCh37 (hg19) VCF-style: chr3-33055639-A-T.
Other names: c.1553T>A, p.Leu518His (NM_001079811.3); c.1250T>A, p.Leu417His (NM_001135602.3); c.1787T>A, p.Leu596His (NM_001317040.2); c.1643T>A, p.Leu548His (NM_001393580.1); short protein forms L518H, L548H, L596H, L417H.
Identifiers: ClinVar variation 1437570 (VCV001437570.5), dbSNP rs1335107953, ClinGen allele CA351984589.